The following is an entry in ClinVar:

NM_001278116.2(L1CAM):c.1143G>C (p.Lys381Asn)

Gene: L1CAM (L1 cell adhesion molecule; minus strand). Cytogenetic location: Xq28.
Variant type: single nucleotide variant.
Coding change: c.1143G>C on transcript NM_001278116.2 (MANE Select); coding-DNA position 1143, G replaced by C.
Protein change: p.Lys381Asn; replaces lysine 381 with asparagine.
Molecular consequence: missense variant.
Genome position (GRCh38, 1-based): chrX:153,869,644, C>G on the plus strand (G>C on the coding strand, the complement: L1CAM is on the minus strand). VCF-style: chrX-153869644-C-G. GRCh37 (hg19) VCF-style: chrX-153135099-C-G.
Other names: c.1143G>C, p.Lys381Asn (NM_000425.5, NM_024003.3); c.1128G>C, p.Lys376Asn (NM_001143963.2); short protein forms K376N, K381N.
Identifiers: ClinVar variation 967045 (VCV000967045.7), dbSNP rs1185735801, ClinGen allele CA415130042.

ClinVar aggregate classification (germline): Uncertain significance (1 of 4 stars; one submission).

Conditions:
Spastic paraplegia. Identifiers: MedGen C0037772, HP:0001258.

Allele frequency attached by ClinVar (database versions not stated): TOPMed 0.00006.

Submission:

Labcorp Genetics (formerly Invitae), Labcorp
Classification: Uncertain significance for Spastic paraplegia. Last evaluated: 2021-08-28. Review status: criteria provided, single submitter. Criteria: Invitae Variant Classification Sherloc (09022015). Collection method: clinical testing. Allele origin: germline.
Comment: This sequence change replaces lysine with asparagine at codon 381 of the L1CAM protein (p.Lys381Asn). The lysine residue is moderately conserved and there is a moderate physicochemical difference between lysine and asparagine. This variant is not present in population databases (ExAC no frequency). This variant has not been reported in the literature in individuals affected with L1CAM-related conditions. Algorithms developed to predict the effect of missense changes on protein structure and function output the following: SIFT: "Tolerated"; PolyPhen-2: "Benign"; Align-GVGD: "Class C0". The asparagine amino acid residue is found in multiple mammalian species, which suggests that this missense change does not adversely affect protein function. In summary, the available evidence is currently insufficient to determine the role of this variant in disease. Therefore, it has been classified as a Variant of Uncertain Significance.